The following is an entry in ClinVar:

ClinVar aggregate classification (germline): Likely benign. Review status: criteria provided, multiple submitters, no conflicts (2 of 4 stars). 2 submissions from 2 submitters: Likely benign (2). Last evaluated 2024-10-29.

Conditions:
Hereditary breast ovarian cancer syndrome. Also called: Hereditary breast and/or ovarian cancer syndrome; Hereditary breast and ovarian cancer syndrome; Hereditary breast and ovarian cancer syndrome (HBOC); Hereditary breast and ovarian cancer; BRCA1- and BRCA2-Associated Hereditary Breast and Ovarian Cancer; Breast and ovarian cancer. Identifiers: Orphanet 145, MedGen C0677776, MeSH D061325, MONDO:0003582. Disease mechanism: loss of function.

Submissions (2):

Labcorp Genetics (formerly Invitae), Labcorp
Classification: Likely benign for Hereditary breast ovarian cancer syndrome. Last evaluated: 2024-10-29. Review status: criteria provided, single submitter. Criteria: Invitae Variant Classification Sherloc (09022015). Collection method: clinical testing. Allele origin: germline.

GeneDx
Classification: Likely benign. Last evaluated: 2015-11-30. Review status: criteria provided, single submitter. Criteria: GeneDx Variant Classification (06012015). Collection method: clinical testing. Allele origin: germline. Affected: yes.
Comment: This variant is considered likely benign or benign based on one or more of the following criteria: it is a conservative change, it occurs at a poorly conserved position in the protein, it is predicted to be benign by multiple in silico algorithms, and/or has population frequency not consistent with disease.

NM_000059.4(BRCA2):c.8331+13G>A

Gene: BRCA2 (BRCA2 DNA repair associated; plus strand). Cytogenetic location: 13q13.1.
Variant type: single nucleotide variant.
Coding change: c.8331+13G>A on transcript NM_000059.4 (MANE Select); 13 bases into the intron after coding-DNA position 8331, G replaced by A.
Molecular consequence: intron variant.
Genome position (GRCh38, 1-based): chr13:32,363,546, G>A. VCF-style: chr13-32363546-G-A. GRCh37 (hg19) VCF-style: chr13-32937683-G-A.
Identifiers: ClinVar variation 381939 (VCV000381939.9), dbSNP rs1057521213, ClinGen allele CA16607490.
Genomic context (GRCh38, chr13:32,363,546, plus strand): 5'-CCTGATGCCTGTACACCTCTTGAAGCCCCAGAATCTCTTATGTTAAAGGTAAATTAATTT[G>A]CACTCTTGGTAAAAATCAGTCATTGATTCAGTTAAATTCTAGAAGTTTTACATTTAAATT-3'